The following is an entry in ClinVar:

NM_014423.4(AFF4):c.197T>C (p.Ile66Thr)

Gene: AFF4 (ALF transcription elongation factor 4; minus strand). Cytogenetic location: 5q31.1.
Variant type: single nucleotide variant.
Coding change: c.197T>C on transcript NM_014423.4 (MANE Select); coding-DNA position 197, T replaced by C.
Protein change: p.Ile66Thr; replaces isoleucine 66 with threonine.
Molecular consequence: missense variant.
Genome position (GRCh38, 1-based): chr5:132,934,868, A>G on the plus strand (T>C on the coding strand, the complement: AFF4 is on the minus strand). VCF-style: chr5-132934868-A-G. GRCh37 (hg19) VCF-style: chr5-132270560-A-G.
Other names: c.197T>C (NM_014423.3); short protein forms I66T.
Identifiers: ClinVar variation 3014016 (VCV003014016.4), dbSNP rs775906944, ClinGen allele CA3409470.

ClinVar aggregate classification (germline): Uncertain significance. Review status: criteria provided, multiple submitters, no conflicts (2 of 4 stars). 2 submissions from 2 submitters: Uncertain significance (2). Last evaluated 2026-03-18.

Conditions:
AFF4-related disorder. Also called: AFF4-related condition.
Cognitive impairment - coarse facies - heart defects - obesity - pulmonary involvement - short stature - skeletal dysplasia syndrome. Also called: COGNITIVE IMPAIRMENT, COARSE FACIES, HEART DEFECTS, OBESITY, PULMONARY INVOLVEMENT, SHORT STATURE, AND SKELETAL DYSPLASIA; Chops syndrome; AFF4-Related CHOPS Syndrome. Identifiers: Orphanet 444077, MedGen C4085597, MONDO:0014609, OMIM 616368.

Allele frequency attached by ClinVar (database versions not stated): gnomAD exomes below 0.00001; TOPMed below 0.00001; ExAC 0.00001; gnomAD 0.00001.
gnomAD v4.1: 3 of 1,613,988 alleles (0.00019%); highest among the groups gnomAD compares: African/African-American, 0.0013%; no homozygotes.

Submissions (2):

PreventionGenetics, part of Exact Sciences
Classification: Uncertain significance for AFF4-related condition. Last evaluated: 2026-03-18. Review status: criteria provided, single submitter. Criteria: ACMG Guidelines, 2015. Collection method: clinical testing. Allele origin: germline.
Comment: The AFF4 c.197T>C variant is predicted to result in the amino acid substitution p.Ile66Thr. To our knowledge, this variant has not been reported in the literature. This variant is reported in 0.0033% of alleles in individuals of South Asian descent in gnomAD. At this time, the clinical significance of this variant is uncertain due to the absence of conclusive functional and genetic evidence.

Labcorp Genetics (formerly Invitae), Labcorp
Classification: Uncertain significance for Cognitive impairment - coarse facies - heart defects - obesity - pulmonary involvement - short stature - skeletal dysplasia syndrome. Last evaluated: 2023-02-13. Review status: criteria provided, single submitter. Criteria: Invitae Variant Classification Sherloc (09022015). Collection method: clinical testing. Allele origin: germline.
Comment: This variant is present in population databases (rs775906944, gnomAD 0.003%). This sequence change replaces isoleucine, which is neutral and non-polar, with threonine, which is neutral and polar, at codon 66 of the AFF4 protein (p.Ile66Thr). This variant has not been reported in the literature in individuals affected with AFF4-related conditions. In summary, the available evidence is currently insufficient to determine the role of this variant in disease. Therefore, it has been classified as a Variant of Uncertain Significance. Advanced modeling of protein sequence and biophysical properties (such as structural, functional, and spatial information, amino acid conservation, physicochemical variation, residue mobility, and thermodynamic stability) performed at Invitae indicates that this missense variant is expected to disrupt AFF4 protein function.